The following is an entry in ClinVar:

ClinVar aggregate classification (germline): Conflicting classifications of pathogenicity. Review status: criteria provided, conflicting classifications (1 of 4 stars). 2 submissions from 2 submitters: Uncertain significance (1); Likely benign (1). Last evaluated 2024-11-12.

Conditions:
DICER1-related tumor predisposition. Also called: DICER1-related pleuropulmonary blastoma cancer predisposition syndrome; DICER1 syndrome. Identifiers: Orphanet 284343, MedGen C3839822, MONDO:0100216.
Hereditary cancer-predisposing syndrome. Also called: Hereditary neoplastic syndrome; Tumor predisposition; Neoplastic Syndromes, Hereditary; Hereditary Cancer Syndrome. Identifiers: Orphanet 140162, MedGen C0027672, MeSH D009386, MONDO:0015356.

Submissions (2):

Ambry Genetics
Classification: Likely benign for Hereditary cancer-predisposing syndrome. Last evaluated: 2024-11-12. Review status: criteria provided, single submitter. Criteria: Ambry Variant Classification Scheme 2023. Collection method: clinical testing. Allele origin: germline.

Labcorp Genetics (formerly Invitae), Labcorp
Classification: Uncertain significance for DICER1-related tumor predisposition. Last evaluated: 2021-02-16. Review status: criteria provided, single submitter. Criteria: Invitae Variant Classification Sherloc (09022015). Collection method: clinical testing. Allele origin: germline.
Comment: Algorithms developed to predict the effect of missense changes on protein structure and function (SIFT, PolyPhen-2, Align-GVGD) all suggest that this variant is likely to be tolerated, but these predictions have not been confirmed by published functional studies and their clinical significance is uncertain. This variant has not been reported in the literature in individuals with DICER1-related conditions. This variant is not present in population databases (ExAC no frequency). This sequence change replaces valine with isoleucine at codon 1082 of the DICER1 protein (p.Val1082Ile). The valine residue is moderately conserved and there is a small physicochemical difference between valine and isoleucine. In summary, the available evidence is currently insufficient to determine the role of this variant in disease. Therefore, it has been classified as a Variant of Uncertain Significance.

NM_177438.3(DICER1):c.3244G>A (p.Val1082Ile)

Gene: DICER1 (dicer 1, ribonuclease III; minus strand). Cytogenetic location: 14q32.13.
Variant type: single nucleotide variant.
Coding change: c.3244G>A on transcript NM_177438.3 (MANE Select); coding-DNA position 3244, G replaced by A.
Protein change: p.Val1082Ile; replaces valine 1082 with isoleucine.
Molecular consequence: missense variant.
Genome position (GRCh38, 1-based): chr14:95,105,096, C>T on the plus strand (G>A on the coding strand, the complement: DICER1 is on the minus strand). VCF-style: chr14-95105096-C-T. GRCh37 (hg19) VCF-style: chr14-95571433-C-T.
Other names: c.3244G>A, p.Val1082Ile (NM_001195573.1, NM_001271282.3, NM_001291628.2 and 1 more transcripts); c.3244G>A (NM_177438.2); short protein forms V1082I.
Identifiers: ClinVar variation 1481010 (VCV001481010.10), dbSNP rs2139985624, ClinGen allele CA390876350.
Genomic context (GRCh38, chr14:95,105,096, plus strand): 5'-ATCTGTGTTCTTTCTGGCTGACTGCACAGGCATACCTAAAATCCGCAGGAAGTGATCTGA[C>T]TCCCACGCCAGCATCGCTGGCAGTCTGGGCTCTTAGCTCCTCTGCAGTCAAAAGGCAGTG-3'
Protein context (NP_803187.1, residues 1072-1092): AQTASDAGVG[Val1082Ile]RSLPADFRYP